The following is an entry in ClinVar:

NM_152246.3(CPT1B):c.1839A>G (p.Thr613=)

Genes: CHKB-CPT1B (CHKB-CPT1B readthrough (NMD candidate); minus strand), CPT1B (carnitine palmitoyltransferase 1B; minus strand). Cytogenetic location: 22q13.33.
Variant type: single nucleotide variant.
Coding change: c.1839A>G on transcript NM_152246.3 (MANE Select); coding-DNA position 1839, A replaced by G.
Protein change: p.Thr613=; no amino-acid change (threonine 613 retained).
Molecular consequence: synonymous variant. On other transcripts: non-coding transcript variant (1).
Genome position (GRCh38, 1-based): chr22:50,571,194, T>C on the plus strand (A>G on the coding strand, the complement: CPT1B is on the minus strand). VCF-style: chr22-50571194-T-C. GRCh37 (hg19) VCF-style: chr22-51009623-T-C.
Other names: c.1737A>G, p.Thr579= (NM_001145134.2); c.1839A>G, p.Thr613= (NM_001145135.2, NM_001145137.2, NM_004377.4 and 1 more transcripts).
Identifiers: ClinVar variation 4981872 (VCV004981872.1).

ClinVar aggregate classification (germline): Likely benign (1 of 4 stars; one submission).

Conditions:
CPT1B-related disorder. Also called: CPT1B-related condition.

gnomAD v4.1: 597 of 1,614,144 alleles (0.037%); highest among the groups gnomAD compares: Non-Finnish European, 0.047%; no homozygotes.

Submission:

PreventionGenetics, part of Exact Sciences
Classification: Likely benign for CPT1B-related condition. Last evaluated: 2026-08-19. Review status: criteria provided, single submitter. Criteria: ACMG Guidelines, 2015. Collection method: clinical testing. Allele origin: germline.
Comment: This variant is classified as likely benign based on ACMG/AMP sequence variant interpretation guidelines (Richards et al. 2015 PMID: 25741868, with internal and published modifications).